The following is an entry in ClinVar:

ClinVar aggregate classification (germline): Conflicting classifications of pathogenicity. Review status: criteria provided, conflicting classifications (1 of 4 stars). 2 submissions from 2 submitters: Uncertain significance (1); Likely benign (1). Last evaluated 2026-01-21.

Conditions:
Treacher Collins syndrome 1 (TCS1). Also called: TCOF1-Related Treacher Collins Syndrome. Identifiers: Orphanet 861, MedGen CN315775, MONDO:0007944, OMIM 154500.
Inborn genetic diseases. Identifiers: MedGen C0950123, MeSH D030342.

gnomAD v4.1: 5 of 1,612,424 alleles (0.00031%); highest among the groups gnomAD compares: African/African-American, 0.0067%; no homozygotes.

Submissions (2):

Ambry Genetics
Classification: Uncertain significance for Inborn genetic diseases. Last evaluated: 2026-01-21. Review status: criteria provided, single submitter. Criteria: Ambry Variant Classification Scheme 2023. Collection method: clinical testing. Allele origin: germline.
Comment: The c.1526C>T (p.A509V) alteration is located in exon 11 (coding exon 11) of the TCOF1 gene. This alteration results from a C to T substitution at nucleotide position 1526, causing the alanine (A) at amino acid position 509 to be replaced by a valine (V). Based on data from gnomAD, the T allele has an overall frequency of <0.001% (1/249426) total alleles studied. The highest observed frequency was 0.007% (1/15474) of African alleles. Based on insufficient or conflicting evidence, the clinical significance of this alteration remains unclear.

Labcorp Genetics (formerly Invitae), Labcorp
Classification: Likely benign for Treacher Collins syndrome 1. Last evaluated: 2025-12-24. Review status: criteria provided, single submitter. Criteria: Invitae Variant Classification Sherloc (09022015). Collection method: clinical testing. Allele origin: germline.

NM_001371623.1(TCOF1):c.1526C>T (p.Ala509Val)

Gene: TCOF1 (treacle ribosome biogenesis factor 1; plus strand). Cytogenetic location: 5q32.
Variant type: single nucleotide variant.
Coding change: c.1526C>T on transcript NM_001371623.1 (MANE Select); coding-DNA position 1526, C replaced by T.
Protein change: p.Ala509Val; replaces alanine 509 with valine.
Molecular consequence: missense variant.
Genome position (GRCh38, 1-based): chr5:150,375,376, C>T. VCF-style: chr5-150375376-C-T. GRCh37 (hg19) VCF-style: chr5-149754939-C-T.
Other names: c.1526C>T (NM_001135243.1); c.1295C>T, p.Ala432Val (NM_000356.4, NM_001135245.2, NM_001437406.1); c.1526C>T, p.Ala509Val (NM_001008657.3, NM_001135243.2, NM_001135244.2 and 1 more transcripts); short protein forms A432V, A509V.
Identifiers: ClinVar variation 4749437 (VCV004749437.2).